The following is an entry in ClinVar:

NM_175859.3(CTPS2):c.177C>T (p.Phe59=)

Gene: CTPS2 (CTP synthase 2; minus strand). Cytogenetic location: Xp22.2.
Variant type: single nucleotide variant.
Coding change: c.177C>T on transcript NM_175859.3 (MANE Select); coding-DNA position 177, C replaced by T.
Protein change: p.Phe59=; no amino-acid change (phenylalanine 59 retained).
Molecular consequence: synonymous variant.
Genome position (GRCh38, 1-based): chrX:16,699,083, G>A on the plus strand (C>T on the coding strand, the complement: CTPS2 is on the minus strand). VCF-style: chrX-16699083-G-A. GRCh37 (hg19) VCF-style: chrX-16717206-G-A.
Other names: c.177C>T, p.Phe59= (NM_001144002.2, NM_019857.5).
Identifiers: ClinVar variation 2660067 (VCV002660067.24), dbSNP rs748620326, ClinGen allele CA10357160.
Genomic context (GRCh38, chrX:16,699,083, plus strand): 5'-ATCCAAAAATCTTTCATAATTTCCAAGGTCTAAATCAACTTCTCCACCATCATTTAAGAC[G>A]AAGACTTCACCTAGGATTAAAAAGGCAATGGAAAAATCAAAACTTTGCTTCCAGTAGATT-3'
Protein context (NP_787055.1, residues 49-69): TFSPYEHGEV[Phe59=]VLNDGGEVDL

ClinVar aggregate classification (germline): Likely benign (1 of 4 stars; one submission).

Allele frequency attached by ClinVar (database versions not stated): ExAC 0.00001; gnomAD 0.00002; TOPMed 0.00008.
gnomAD v4.1: 13 of 1,148,531 alleles (0.0011%); highest among the groups gnomAD compares: African/African-American, 0.0092%; no homozygotes.

Submission:

CeGaT Center for Human Genetics Tuebingen
Classification: Likely benign. Last evaluated: 2022-11-01. Review status: criteria provided, single submitter. Criteria: CeGaT Center For Human Genetics Tuebingen Variant Classification Criteria Version 2. Collection method: clinical testing. Allele origin: germline. Affected: yes. Observed: 1 variant allele.
Comment: CTPS2: BP4, BP7